The following is an entry in ClinVar:

NM_000038.6(APC):c.770C>A (p.Ala257Asp)

Gene: APC (APC regulator of Wnt signaling pathway; plus strand). Cytogenetic location: 5q22.2.
Variant type: single nucleotide variant.
Coding change: c.770C>A on transcript NM_000038.6 (MANE Select); coding-DNA position 770, C replaced by A.
Protein change: p.Ala257Asp; replaces alanine 257 with aspartic acid.
Molecular consequence: missense variant. On other transcripts: 5 prime UTR variant (4), non-coding transcript variant (2).
Genome position (GRCh38, 1-based): chr5:112,801,319, C>A. VCF-style: chr5-112801319-C-A. GRCh37 (hg19) VCF-style: chr5-112137016-C-A.
Other names: c.770C>A, p.Ala257Asp (NM_001127510.3, NM_001354895.2, NM_001354896.2 and 12 more transcripts); c.716C>A, p.Ala239Asp (NM_001127511.3); c.800C>A, p.Ala267Asp (NM_001354897.2, NM_001354902.2, NM_001407446.1); c.695C>A, p.Ala232Asp (NM_001354898.2, NM_001354904.2, NM_001407451.1); c.686C>A, p.Ala229Asp (NM_001354899.2, NM_001407452.1, NM_001407467.1 and 1 more transcripts); c.593C>A, p.Ala198Asp (NM_001354900.2, NM_001354901.2, NM_001354905.2 and 1 more transcripts); c.-266C>A (NM_001354906.2, NM_001407470.1, NM_001407471.1 and 1 more transcripts); short protein forms A257D, A198D, A239D, A267D, A232D, A229D.
Identifiers: ClinVar variation 2452719 (VCV002452719.2), dbSNP rs2149711793, ClinGen allele CA16023016.

ClinVar aggregate classification (germline): Uncertain significance (1 of 4 stars; one submission).

Conditions:
Hereditary cancer-predisposing syndrome. Also called: Neoplastic Syndromes, Hereditary; Tumor predisposition; Hereditary neoplastic syndrome; Hereditary Cancer Syndrome. Identifiers: Orphanet 140162, MedGen C0027672, MeSH D009386, MONDO:0015356.

Submission:

Ambry Genetics
Classification: Uncertain significance for Hereditary cancer-predisposing syndrome. Last evaluated: 2023-01-18. Review status: criteria provided, single submitter. Criteria: Ambry Variant Classification Scheme 2023. Collection method: clinical testing. Allele origin: germline.
Comment: The p.A257D variant (also known as c.770C>A), located in coding exon 7 of the APC gene, results from a C to A substitution at nucleotide position 770. The alanine at codon 257 is replaced by aspartic acid, an amino acid with dissimilar properties. This amino acid position is conserved. In addition, in silico predictors for this gene do not accurately predict pathogenicity. Since supporting evidence is limited at this time, the clinical significance of this alteration remains unclear.